The following is an entry in ClinVar:

NM_152703.5(SAMD9L):c.1819C>T (p.His607Tyr)

Gene: SAMD9L (sterile alpha motif domain containing 9 like; minus strand). Cytogenetic location: 7q21.2.
Variant type: single nucleotide variant.
Coding change: c.1819C>T on transcript NM_152703.5 (MANE Select); coding-DNA position 1819, C replaced by T.
Protein change: p.His607Tyr; replaces histidine 607 with tyrosine.
Molecular consequence: missense variant.
Genome position (GRCh38, 1-based): chr7:93,134,153, G>A on the plus strand (C>T on the coding strand, the complement: SAMD9L is on the minus strand). VCF-style: chr7-93134153-G-A. GRCh37 (hg19) VCF-style: chr7-92763466-G-A.
Other names: c.1819C>T, p.His607Tyr (NM_001303496.3, NM_001303497.3, NM_001303498.3 and 5 more transcripts); c.1819C>T (NM_152703.2); short protein forms H607Y.
Identifiers: ClinVar variation 2892773 (VCV002892773.5), dbSNP rs2535424998, ClinGen allele CA368194456.

ClinVar aggregate classification (germline): Uncertain significance. Review status: criteria provided, multiple submitters, no conflicts (2 of 4 stars). 2 submissions from 2 submitters: Uncertain significance (2). Last evaluated 2025-12-16.

Conditions:
Inborn genetic diseases. Identifiers: MedGen C0950123, MeSH D030342.

Submissions (2):

Ambry Genetics
Classification: Uncertain significance for Inborn genetic diseases. Last evaluated: 2025-12-16. Review status: criteria provided, single submitter. Criteria: Ambry Variant Classification Scheme 2023. Collection method: clinical testing. Allele origin: germline.

Labcorp Genetics (formerly Invitae), Labcorp
Classification: Uncertain significance. Last evaluated: 2023-08-14. Review status: criteria provided, single submitter. Criteria: Invitae Variant Classification Sherloc (09022015). Collection method: clinical testing. Allele origin: germline.
Comment: In summary, the available evidence is currently insufficient to determine the role of this variant in disease. Therefore, it has been classified as a Variant of Uncertain Significance. Advanced modeling of protein sequence and biophysical properties (such as structural, functional, and spatial information, amino acid conservation, physicochemical variation, residue mobility, and thermodynamic stability) performed at Invitae indicates that this missense variant is not expected to disrupt SAMD9L protein function. This variant has not been reported in the literature in individuals affected with SAMD9L-related conditions. This variant is not present in population databases (gnomAD no frequency). This sequence change replaces histidine, which is basic and polar, with tyrosine, which is neutral and polar, at codon 607 of the SAMD9L protein (p.His607Tyr).